The following is an entry in ClinVar:

NM_006521.6(TFE3):c.446C>T (p.Ser149Phe)

Gene: TFE3 (transcription factor binding to IGHM enhancer 3; minus strand). Cytogenetic location: Xp11.23.
Variant type: single nucleotide variant.
Coding change: c.446C>T on transcript NM_006521.6 (MANE Select); coding-DNA position 446, C replaced by T.
Protein change: p.Ser149Phe; replaces serine 149 with phenylalanine.
Molecular consequence: missense variant.
Genome position (GRCh38, 1-based): chrX:49,039,195, G>A on the plus strand (C>T on the coding strand, the complement: TFE3 is on the minus strand). VCF-style: chrX-49039195-G-A. GRCh37 (hg19) VCF-style: chrX-48896720-G-A.
Other names: c.131C>T, p.Ser44Phe (NM_001282142.2); short protein forms S149F, S44F.
Identifiers: ClinVar variation 3372382 (VCV003372382.1).
Genomic context (GRCh38, chrX:49,039,195, plus strand): 5'-GGGGGTGGACGGCTCAATGTGTGGCCCCCAGCAGAGACGCCAACCACAGAGATGGCAGGA[G>A]AGGCAGGTGCAGGACTGGGGAAGGGAGCCGCGGCGGCCTGTTCCCGACGCTCACGCCTCT-3'
Protein context (NP_006512.2, residues 139-159): AAPFPSPAPA[Ser149Phe]PAISVVGVSA

ClinVar aggregate classification (germline): Uncertain significance (1 of 4 stars; one submission).

Submission:

GeneDx
Classification: Uncertain significance. Last evaluated: 2024-04-10. Review status: criteria provided, single submitter. Criteria: GeneDx Variant Classification Process June 2021. Collection method: clinical testing. Allele origin: germline. Affected: yes.
Comment: Not observed at significant frequency in large population cohorts (gnomAD); In silico analysis supports that this missense variant has a deleterious effect on protein structure/function; Has not been previously published as pathogenic or benign to our knowledge